The following is an entry in ClinVar:

NM_001164508.2(NEB):c.16789G>T (p.Ala5597Ser)

Gene: NEB (nebulin; minus strand). Cytogenetic location: 2q23.3.
Variant type: single nucleotide variant.
Coding change: c.16789G>T on transcript NM_001164508.2 (MANE Select); coding-DNA position 16789, G replaced by T.
Protein change: p.Ala5597Ser; replaces alanine 5597 with serine.
Molecular consequence: missense variant.
Genome position (GRCh38, 1-based): chr2:151,576,270, C>A on the plus strand (G>T on the coding strand, the complement: NEB is on the minus strand). VCF-style: chr2-151576270-C-A. GRCh37 (hg19) VCF-style: chr2-152432784-C-A.
Other names: c.16789G>T, p.Ala5597Ser (NM_001164507.2, NM_001271208.2); c.11686G>T, p.Ala3896Ser (NM_004543.5); short protein forms A5597S, A3896S.
Identifiers: ClinVar variation 1351000 (VCV001351000.5), dbSNP rs749713442, ClinGen allele CA1908385.

ClinVar aggregate classification (germline): Uncertain significance (1 of 4 stars; one submission).

Conditions:
Nemaline myopathy 2 (NEM2). Also called: Nemaline myopathy 2, autosomal recessive. Identifiers: MedGen C1850569, MONDO:0009725, OMIM 256030.

gnomAD v4.1: 6 of 1,610,822 alleles (0.00037%); highest among the groups gnomAD compares: Admixed American, 0.0033%; no homozygotes.

Submission:

Labcorp Genetics (formerly Invitae), Labcorp
Classification: Uncertain significance for Nemaline myopathy 2. Last evaluated: 2023-12-11. Review status: criteria provided, single submitter. Criteria: Invitae Variant Classification Sherloc (09022015). Collection method: clinical testing. Allele origin: germline.
Comment: This sequence change replaces alanine, which is neutral and non-polar, with serine, which is neutral and polar, at codon 5597 of the NEB protein (p.Ala5597Ser). This variant is present in population databases (rs749713442, gnomAD 0.003%). This variant has not been reported in the literature in individuals affected with NEB-related conditions. ClinVar contains an entry for this variant (Variation ID: 1351000). Experimental studies and prediction algorithms are not available or were not evaluated, and the functional significance of this variant is currently unknown. In summary, the available evidence is currently insufficient to determine the role of this variant in disease. Therefore, it has been classified as a Variant of Uncertain Significance.